The following is an entry in ClinVar:

ClinVar aggregate classification (germline): Uncertain significance (1 of 4 stars; one submission).

Conditions:
Inborn genetic diseases. Identifiers: MedGen C0950123, MeSH D030342.

Submission:

Ambry Genetics
Classification: Uncertain significance for Inborn genetic diseases. Last evaluated: 2024-12-02. Review status: criteria provided, single submitter. Criteria: Ambry Variant Classification Scheme 2023. Collection method: clinical testing. Allele origin: germline.
Comment: The p.G899R variant (also known as c.2695G>C), located in coding exon 15 of the RECQL4 gene, results from a G to C substitution at nucleotide position 2695. The glycine at codon 899 is replaced by arginine, an amino acid with dissimilar properties. This amino acid position is conserved. In addition, this alteration is predicted to be tolerated by in silico analysis. Based on the available evidence, the clinical significance of this variant remains unclear.

NM_004260.4(RECQL4):c.2695G>C (p.Gly899Arg)

Gene: RECQL4 (RecQ like helicase 4; minus strand). Cytogenetic location: 8q24.3.
Variant type: single nucleotide variant.
Coding change: c.2695G>C on transcript NM_004260.4 (MANE Select); coding-DNA position 2695, G replaced by C.
Protein change: p.Gly899Arg; replaces glycine 899 with arginine.
Molecular consequence: missense variant. On other transcripts: non-coding transcript variant (3).
Genome position (GRCh38, 1-based): chr8:144,512,907, C>G on the plus strand (G>C on the coding strand, the complement: RECQL4 is on the minus strand). VCF-style: chr8-144512907-C-G. GRCh37 (hg19) VCF-style: chr8-145738290-C-G.
Other names: c.2401G>C, p.Gly801Arg (NM_001413017.1); c.2497G>C, p.Gly833Arg (NM_001413018.1); c.2695G>C, p.Gly899Arg (NM_001413019.1, NM_001413036.1); c.2599G>C, p.Gly867Arg (NM_001413020.1); c.1624G>C, p.Gly542Arg (NM_001413021.1, NM_001413022.1, NM_001413023.1 and 5 more transcripts); c.2566G>C, p.Gly856Arg (NM_001413025.1); c.1558G>C, p.Gly520Arg (NM_001413027.1, NM_001413030.1, NM_001413032.1 and 1 more transcripts); c.2344G>C, p.Gly782Arg (NM_001413029.1); and 6 more; short protein forms G476R, G889R, G410R, G520R, G782R, G833R, G855R, G532R.
Identifiers: ClinVar variation 3431905 (VCV003431905.1).